The following is an entry in ClinVar:

NM_001005373.4(LRSAM1):c.2114C>T (p.Thr705Ile)

Gene: LRSAM1 (leucine rich repeat and sterile alpha motif containing 1; plus strand). Cytogenetic location: 9q34.11.
Variant type: single nucleotide variant.
Coding change: c.2114C>T on transcript NM_001005373.4 (MANE Select); coding-DNA position 2114, C replaced by T.
Protein change: p.Thr705Ile; replaces threonine 705 with isoleucine.
Molecular consequence: missense variant. On other transcripts: non-coding transcript variant (2).
Genome position (GRCh38, 1-based): chr9:127,502,841, C>T. VCF-style: chr9-127502841-C-T. GRCh37 (hg19) VCF-style: chr9-130265120-C-T.
Other names: c.2114C>T, p.Thr705Ile (NM_001005374.4, NM_001384142.1, NM_138361.5); c.2033C>T, p.Thr678Ile (NM_001190723.3); c.2015C>T, p.Thr672Ile (NM_001384143.1); c.1325C>T, p.Thr442Ile (NM_001384144.1); short protein forms T442I, T672I, T678I, T705I.
Identifiers: ClinVar variation 3603664 (VCV003603664.2).
Genomic context (GRCh38, chr9:127,502,841, plus strand): 5'-TGATCTTCCTCAACTGTGGCCACGTCTGCTGCTGCCAGCAGTGCTGCCAGCCACTGCGCA[C>T]CTGCCCGCTGTGCCGCCAGGACATCGCCCAGCGCCTCCGCATCTACCACAGCAGCTGAGT-3'
Protein context (NP_001005373.1, residues 695-715): CCQQCCQPLR[Thr705Ile]CPLCRQDIAQ

ClinVar aggregate classification (germline): Uncertain significance (1 of 4 stars; one submission).

Conditions:
Charcot-Marie-Tooth disease axonal type 2P. Also called: CHARCOT-MARIE-TOOTH NEUROPATHY, TYPE 2P; Charcot-Marie-Tooth Neuropathy Type 2G; CHARCOT-MARIE-TOOTH DISEASE, AXONAL, TYPE 2G; CMT 2G. Identifiers: Orphanet 300319, Orphanet 99941, MedGen C3280797, MONDO:0013753, OMIM 614436.

Submission:

Labcorp Genetics (formerly Invitae), Labcorp
Classification: Uncertain significance for Charcot-Marie-Tooth disease axonal type 2P. Last evaluated: 2024-04-17. Review status: criteria provided, single submitter. Criteria: Invitae Variant Classification Sherloc (09022015). Collection method: clinical testing. Allele origin: germline.
Comment: This sequence change replaces threonine, which is neutral and polar, with isoleucine, which is neutral and non-polar, at codon 705 of the LRSAM1 protein (p.Thr705Ile). This variant is not present in population databases (gnomAD no frequency). This variant has not been reported in the literature in individuals affected with LRSAM1-related conditions. Advanced modeling of protein sequence and biophysical properties (such as structural, functional, and spatial information, amino acid conservation, physicochemical variation, residue mobility, and thermodynamic stability) performed at Invitae indicates that this missense variant is not expected to disrupt LRSAM1 protein function with a negative predictive value of 80%. In summary, the available evidence is currently insufficient to determine the role of this variant in disease. Therefore, it has been classified as a Variant of Uncertain Significance.